The following is an entry in ClinVar:

ClinVar aggregate classification (germline): Pathogenic (1 of 4 stars; one submission).

Submission:

Labcorp Genetics (formerly Invitae), Labcorp
Classification: Pathogenic. Last evaluated: 2023-10-03. Review status: criteria provided, single submitter. Criteria: Invitae Variant Classification Sherloc (09022015). Collection method: clinical testing. Allele origin: unknown.
Comment: This variant is a gross deletion of the genomic region encompassing exon(s) 8 of the HPS3 gene. This deletion is out-of-frame, and is expected to create a premature termination codon and result in an absent or disrupted protein product. Loss-of-function variants in HPS3 are known to be pathogenic (PMID: 11590544). This variant has not been reported in the literature in individuals affected with HPS3-related conditions. For these reasons, this variant has been classified as Pathogenic.

Literature cited by the submitters: PubMed 11590544.

NC_000003.11:g.(?_148872874)_(148873022_?)del

Gene: HPS3 (HPS3 biogenesis of lysosomal organelles complex 2 subunit 1; plus strand). Cytogenetic location: 3q24.
Variant type: Deletion.
Identifiers: ClinVar variation 3247046 (VCV003247046.1).